The following is an entry in ClinVar:

ClinVar aggregate classification (germline): Uncertain significance (1 of 4 stars; one submission).

Conditions:
RASopathy. Also called: rasopathies; Noonan spectrum disorder. Identifiers: Orphanet 536391, MedGen C5555857, MONDO:0021060.

Submission:

Labcorp Genetics (formerly Invitae), Labcorp
Classification: Uncertain significance for RASopathy. Last evaluated: 2023-10-06. Review status: criteria provided, single submitter. Criteria: Invitae Variant Classification Sherloc (09022015). Collection method: clinical testing. Allele origin: germline.
Comment: This sequence change falls in intron 12 of the PTPN11 gene. It does not directly change the encoded amino acid sequence of the PTPN11 protein. It affects a nucleotide within the consensus splice site. This variant is not present in population databases (gnomAD no frequency). This variant has not been reported in the literature in individuals affected with PTPN11-related conditions. Variants that disrupt the consensus splice site are a relatively common cause of aberrant splicing (PMID: 17576681, 9536098). Algorithms developed to predict the effect of sequence changes on RNA splicing suggest that this variant is not likely to affect RNA splicing. In summary, the available evidence is currently insufficient to determine the role of this variant in disease. Therefore, it has been classified as a Variant of Uncertain Significance.

Literature cited by the submitters: PubMed 17576681; PubMed 9536098.

NM_002834.5(PTPN11):c.1447+6T>C

Gene: PTPN11 (protein tyrosine phosphatase non-receptor type 11; plus strand). Cytogenetic location: 12q24.13.
Variant type: single nucleotide variant.
Coding change: c.1447+6T>C on transcript NM_002834.5 (MANE Select); 6 bases into the intron after coding-DNA position 1447, T replaced by C.
Molecular consequence: intron variant.
Genome position (GRCh38, 1-based): chr12:112,488,516, T>C. VCF-style: chr12-112488516-T-C. GRCh37 (hg19) VCF-style: chr12-112926320-T-C.
Other names: c.1459+6T>C (NM_001330437.2); c.1444+6T>C (NM_001374625.1).
Identifiers: ClinVar variation 2766479 (VCV002766479.3), dbSNP rs2135915237, ClinGen allele CA2697551535.